The following is an entry in ClinVar:

ClinVar aggregate classification (germline): Likely benign. Review status: criteria provided, multiple submitters, no conflicts (2 of 4 stars). 6 submissions from 5 submitters: Likely benign (5). 1 of the submissions does not count toward it. Last evaluated 2025-09-01.

Conditions:
Amyotrophic lateral sclerosis type 4 (ALS4). Also called: NEURONOPATHY, DISTAL HEREDITARY MOTOR, WITH PYRAMIDAL FEATURES; AMYOTROPHIC LATERAL SCLEROSIS 4, JUVENILE. Identifiers: Orphanet 357043, MedGen C1865409, MONDO:0011223, OMIM 602433.
Spinocerebellar ataxia, autosomal recessive, with axonal neuropathy 2 (SCAN2). Also called: Ataxia with Oculomotor Apraxia; Ataxia-ocular apraxia-2; Ataxia with Oculomotor Apraxia Type 2; ATAXIA-OCULOMOTOR APRAXIA 2. Identifiers: Orphanet 64753, MedGen C1853761, MONDO:0018996, OMIM 606002.
SETX-related disorder. Also called: SETX-related disorders; SETX-related condition. Identifiers: MedGen CN239403.

Allele frequency attached by ClinVar (database versions not stated): gnomAD exomes 0.00003 and 0.00005; ExAC 0.00004; gnomAD 0.00006 and 0.00008; TOPMed 0.00007; 1000 Genomes Project 30x 0.00016; 1000 Genomes Project 0.00020.
gnomAD v4.1: 86 of 1,614,052 alleles (0.0053%); highest among the groups gnomAD compares: East Asian, 0.029%; no homozygotes.

Submissions (6):

CeGaT Center for Human Genetics Tuebingen
Classification: Likely benign. Last evaluated: 2025-09-01. Review status: criteria provided, single submitter. Criteria: CeGaT Center For Human Genetics Tuebingen Variant Classification Criteria Version 2. Collection method: clinical testing. Allele origin: germline. Affected: yes. Observed: 1 variant allele.
Comment: SETX: BP4, BP7

Labcorp Genetics (formerly Invitae), Labcorp
Classification: Likely benign for Amyotrophic lateral sclerosis type 4; Spinocerebellar ataxia, autosomal recessive, with axonal neuropathy 2. Last evaluated: 2023-06-17. Review status: criteria provided, single submitter. Criteria: Invitae Variant Classification Sherloc (09022015). Collection method: clinical testing. Allele origin: germline.

Genome-Nilou Lab
Classification: Likely benign for Spinocerebellar ataxia, autosomal recessive, with axonal neuropathy 2. Last evaluated: 2023-02-08. Review status: criteria provided, single submitter. Criteria: ACMG Guidelines, 2015. Collection method: clinical testing. Allele origin: germline.

Genome-Nilou Lab
Classification: Likely benign for Amyotrophic lateral sclerosis type 4. Last evaluated: 2023-02-08. Review status: criteria provided, single submitter. Criteria: ACMG Guidelines, 2015. Collection method: clinical testing. Allele origin: germline.

GeneDx
Classification: Likely benign. Last evaluated: 2021-05-12. Review status: criteria provided, single submitter. Criteria: GeneDx Variant Classification Process June 2021. Collection method: clinical testing. Allele origin: germline. Affected: yes.

PreventionGenetics, part of Exact Sciences
Classification: Likely benign for SETX-related condition. Last evaluated: 2022-12-22. Review status: no assertion criteria provided. Collection method: clinical testing. Allele origin: germline. Not counted in ClinVar's aggregate classification.
Comment: This variant is classified as likely benign based on ACMG/AMP sequence variant interpretation guidelines (Richards et al. 2015 PMID: 25741868, with internal and published modifications).

NM_015046.7(SETX):c.3207T>A (p.Thr1069=)

Gene: SETX (senataxin; minus strand). Cytogenetic location: 9q34.13.
Variant type: single nucleotide variant.
Coding change: c.3207T>A on transcript NM_015046.7 (MANE Select); coding-DNA position 3207, T replaced by A.
Protein change: p.Thr1069=; no amino-acid change (threonine 1069 retained).
Molecular consequence: synonymous variant.
Genome position (GRCh38, 1-based): chr9:132,328,391, A>T on the plus strand (T>A on the coding strand, the complement: SETX is on the minus strand). VCF-style: chr9-132328391-A-T. GRCh37 (hg19) VCF-style: chr9-135203778-A-T.
Other names: c.3207T>A, p.Thr1069= (NM_001351527.2, NM_001351528.2).
Identifiers: ClinVar variation 1198229 (VCV001198229.20), dbSNP rs200585636, ClinGen allele CA5297451.